The following is an entry in ClinVar:

ClinVar aggregate classification (germline): Benign/Likely benign. Review status: criteria provided, multiple submitters, no conflicts (2 of 4 stars). 3 submissions from 3 submitters: Benign (1); Likely benign (2). Last evaluated 2018-07-27.

Conditions:
Hereditary spastic paraplegia 48. Also called: SPASTIC PARAPLEGIA 48, AUTOSOMAL RECESSIVE; Spastic paraplegia 48. Identifiers: Orphanet 306511, MedGen C3150901, MONDO:0013342, OMIM 613647.

Allele frequency attached by ClinVar (database versions not stated): 1000 Genomes Project 0.05371; 1000 Genomes Project 30x 0.05621; gnomAD 0.06307 and 0.06486; TOPMed 0.06718.
gnomAD v4.1: 26,143 of 519,296 alleles (5%); highest among the groups gnomAD compares: African/African-American, 11%; 861 homozygotes.

Submissions (3):

GeneDx
Classification: Benign. Last evaluated: 2018-07-27. Review status: criteria provided, single submitter. Criteria: GeneDx Variant Classification Process June 2021. Collection method: clinical testing. Allele origin: germline. Affected: yes.

Illumina Laboratory Services, Illumina
Classification: Likely benign for Hereditary spastic paraplegia 48. Last evaluated: 2017-04-27. Review status: criteria provided, single submitter. Criteria: ICSL Variant Classification Criteria 13 December 2019. Collection method: clinical testing. Allele origin: germline.
Comment: This variant was observed as part of a predisposition screen in an ostensibly healthy population. A literature search was performed for the gene, cDNA change, and amino acid change (where applicable). No publications were found based on this search. Allele frequency data from public databases allowed determination this variant is unlikely to cause disease. Therefore, this variant is classified as likely benign.

Breakthrough Genomics
Classification: Likely benign. Review status: criteria provided, single submitter. Criteria: ACMG Guidelines, 2015. Collection method: not provided. Allele origin: germline. Inheritance: Autosomal recessive inheritance. Affected: yes.

NM_014855.3(AP5Z1):c.*276T>C

Gene: AP5Z1 (adaptor related protein complex 5 subunit zeta 1; plus strand). Cytogenetic location: 7p22.1.
Variant type: single nucleotide variant.
Coding change: c.*276T>C on transcript NM_014855.3 (MANE Select); 276 bases downstream of the stop codon, T replaced by C.
Molecular consequence: 3 prime UTR variant. On other transcripts: non-coding transcript variant (1).
Genome position (GRCh38, 1-based): chr7:4,791,661, T>C. VCF-style: chr7-4791661-T-C. GRCh37 (hg19) VCF-style: chr7-4831292-T-C.
Other names: c.*276T>C (LRG_1247t1, NM_001364858.1).
Identifiers: ClinVar variation 360352 (VCV000360352.7), dbSNP rs12154622, ClinGen allele CA10626166.